The following is an entry in ClinVar:

NM_177438.3(DICER1):c.4176C>T (p.Ser1392=)

Gene: DICER1 (dicer 1, ribonuclease III; minus strand). Cytogenetic location: 14q32.13.
Variant type: single nucleotide variant.
Coding change: c.4176C>T on transcript NM_177438.3 (MANE Select); coding-DNA position 4176, C replaced by T.
Protein change: p.Ser1392=; no amino-acid change (serine 1392 retained).
Molecular consequence: synonymous variant. On other transcripts: non-coding transcript variant (6).
Genome position (GRCh38, 1-based): chr14:95,099,810, G>A on the plus strand (C>T on the coding strand, the complement: DICER1 is on the minus strand). VCF-style: chr14-95099810-G-A. GRCh37 (hg19) VCF-style: chr14-95566147-G-A.
Other names: c.4176C>T, p.Ser1392= (NM_001195573.1, NM_001271282.3, NM_001291628.2 and 13 more transcripts); c.3894C>T, p.Ser1298= (NM_001395686.1); c.3771C>T, p.Ser1257= (NM_001395687.1, NM_001395688.1, NM_001395689.1 and 2 more transcripts); c.3609C>T, p.Ser1203= (NM_001395691.1); c.2493C>T, p.Ser831= (NM_001395697.1).
Identifiers: ClinVar variation 2154759 (VCV002154759.12), dbSNP rs1425420979, ClinGen allele CA487625742.

ClinVar aggregate classification (germline): Likely benign. Review status: criteria provided, multiple submitters, no conflicts (2 of 4 stars). 2 submissions from 2 submitters: Likely benign (2). Last evaluated 2025-08-01.

Conditions:
DICER1-related tumor predisposition. Also called: DICER1 syndrome; DICER1-related pleuropulmonary blastoma cancer predisposition syndrome. Identifiers: Orphanet 284343, MedGen C3839822, MONDO:0100216.

Submissions (2):

CeGaT Center for Human Genetics Tuebingen
Classification: Likely benign. Last evaluated: 2025-08-01. Review status: criteria provided, single submitter. Criteria: CeGaT Center For Human Genetics Tuebingen Variant Classification Criteria Version 2. Collection method: clinical testing. Allele origin: germline. Affected: yes. Observed: 1 variant allele.
Comment: DICER1: PM2:Supporting, BP4, BP7

Labcorp Genetics (formerly Invitae), Labcorp
Classification: Likely benign for DICER1-related tumor predisposition. Last evaluated: 2022-05-27. Review status: criteria provided, single submitter. Criteria: Invitae Variant Classification Sherloc (09022015). Collection method: clinical testing. Allele origin: germline.